The following is an entry in ClinVar:

NM_000051.4(ATM):c.1000_1001insA (p.Ser334fs)

Gene: ATM (ATM serine/threonine kinase; plus strand). Cytogenetic location: 11q22.3.
Variant type: Insertion.
Coding change: c.1000_1001insA on transcript NM_000051.4 (MANE Select); coding-DNA positions 1000 to 1001, A inserted.
Protein change: p.Ser334fs; shifts the reading frame from serine 334.
Molecular consequence: frameshift variant.
Genome position: GRCh38 VCF-style: chr11-108247062-T-TA. GRCh37 (hg19) VCF-style: chr11-108117789-T-TA.
Other names: c.1000_1001insA, p.Ser334fs (NM_001351834.2); short protein forms S334fs.
Identifiers: ClinVar variation 3148562 (VCV003148562.3), dbSNP rs2497181531, ClinGen allele CA645597673.
Genomic context (GRCh38, chr11:108,247,062, plus strand): 5'-AACTTATATGATCTGCTAGTGAATGAGATAAGTCATATAGGAAGTAGAGGAAAGTATTCT[T>TA]CAGGATTTCGTAATATTGCCGTCAAAGAAAATTTGATTGAATTGATGGCAGATATCTGTC-3'

ClinVar aggregate classification (germline): Pathogenic. Review status: criteria provided, multiple submitters, no conflicts (2 of 4 stars). 2 submissions from 2 submitters: Pathogenic (2). Last evaluated 2024-08-29.

Conditions:
Familial cancer of breast. Also called: Hereditary breast cancer; BREAST CANCER, FAMILIAL; hereditary breast carcinoma. Identifiers: Orphanet 227535, MedGen C0346153, MONDO:0016419, OMIM 114480. Disease mechanism: loss of function.
Ataxia-telangiectasia syndrome (AT). Also called: Ataxia telangiectasia (A-T); Ataxia-telangiectasia, complementation group D; Ataxia-telangiectasia, complementation group E; LOUIS-BAR SYNDROME; Cerebello-oculocutaneous telangiectasia; Immunodeficiency with ataxia telangiectasia. Identifiers: Orphanet 100, MedGen C0004135, MONDO:0008840, OMIM 208900.

Submissions (2):

Labcorp Genetics (formerly Invitae), Labcorp
Classification: Pathogenic for Ataxia-telangiectasia syndrome. Last evaluated: 2024-08-29. Review status: criteria provided, single submitter. Criteria: Invitae Variant Classification Sherloc (09022015). Collection method: clinical testing. Allele origin: germline.
Comment: This sequence change creates a premature translational stop signal (p.Ser334Tyrfs*5) in the ATM gene. It is expected to result in an absent or disrupted protein product. Loss-of-function variants in ATM are known to be pathogenic (PMID: 23807571, 25614872). This variant is not present in population databases (gnomAD no frequency). This variant has not been reported in the literature in individuals affected with ATM-related conditions. Algorithms developed to predict the effect of sequence changes on RNA splicing suggest that this variant may disrupt the consensus splice site. For these reasons, this variant has been classified as Pathogenic.

Myriad Genetics, Inc.
Classification: Pathogenic for Familial cancer of breast. Last evaluated: 2024-01-11. Review status: criteria provided, single submitter. Criteria: Myriad Autosomal Dominant, Autosomal Recessive and X-Linked Classification Criteria (2023). Collection method: clinical testing. Allele origin: unknown.
Comment: This variant is considered pathogenic. This variant creates a frameshift predicted to result in premature protein truncation.

Literature cited by the submitters: PubMed 23807571 (cited by Labcorp Genetics (formerly Invitae), Labcorp); PubMed 25614872 (cited by Labcorp Genetics (formerly Invitae), Labcorp).